The following is an entry in ClinVar:

ClinVar aggregate classification (germline): Uncertain significance (1 of 4 stars; one submission).

gnomAD v4.1: 19 of 1,610,922 alleles (0.0012%); highest among the groups gnomAD compares: Non-Finnish European, 0.0015%; no homozygotes.

Submission:

CeGaT Center for Human Genetics Tuebingen
Classification: Uncertain significance. Last evaluated: 2026-04-01. Review status: criteria provided, single submitter. Criteria: CeGaT Center For Human Genetics Tuebingen Variant Classification Criteria Version 2. Collection method: clinical testing. Allele origin: germline. Affected: yes. Observed: 1 variant allele.
Comment: PSMB9: PM2, BP4

NM_002800.5(PSMB9):c.167C>T (p.Pro56Leu)

Gene: PSMB9 (proteasome 20S subunit beta 9; plus strand). Cytogenetic location: 6p21.32.
Variant type: single nucleotide variant.
Coding change: c.167C>T on transcript NM_002800.5 (MANE Select); coding-DNA position 167, C replaced by T.
Protein change: p.Pro56Leu; replaces proline 56 with leucine.
Molecular consequence: missense variant.
Genome position (GRCh38, 1-based): chr6:32,857,301, C>T. VCF-style: chr6-32857301-C-T. GRCh37 (hg19) VCF-style: chr6-32825078-C-T.
Other names: short protein forms P56L.
Identifiers: ClinVar variation 4873540 (VCV004873540.2).